The following is an entry in ClinVar:

ClinVar aggregate classification (germline): Uncertain significance (1 of 4 stars; one submission).

Conditions:
Myofibrillar myopathy 5. Also called: FILAMINOPATHY, AUTOSOMAL DOMINANT; Filaminopathy (type). Identifiers: Orphanet 171445, MedGen C1836050, MONDO:0012289, OMIM 609524.
Distal myopathy with posterior leg and anterior hand involvement. Also called: WILLIAMS DISTAL MYOPATHY. Identifiers: Orphanet 63273, MedGen C3279722, MONDO:0013550, OMIM 614065.
Hypertrophic cardiomyopathy 26. Also called: Cardiomyopathy, familial hypertrophic, 26. Identifiers: Orphanet 75249, MedGen C4310749, MONDO:0014883, OMIM 617047.

Submission:

Labcorp Genetics (formerly Invitae), Labcorp
Classification: Uncertain significance for Distal myopathy with posterior leg and anterior hand involvement; Myofibrillar myopathy 5; Hypertrophic cardiomyopathy 26. Last evaluated: 2025-06-29. Review status: criteria provided, single submitter. Criteria: Invitae Variant Classification Sherloc (09022015). Collection method: clinical testing. Allele origin: germline.
Comment: This sequence change replaces glycine, which is neutral and non-polar, with tryptophan, which is neutral and slightly polar, at codon 1357 of the FLNC protein (p.Gly1357Trp). This variant is not present in population databases (gnomAD no frequency). This variant has not been reported in the literature in individuals affected with FLNC-related conditions. ClinVar contains an entry for this variant (Variation ID: 2164863). Invitae Evidence Modeling of protein sequence and biophysical properties (such as structural, functional, and spatial information, amino acid conservation, physicochemical variation, residue mobility, and thermodynamic stability) has been performed for this missense variant. However, the output from this modeling did not meet the statistical confidence thresholds required to predict the impact of this variant on FLNC protein function. This variant disrupts the p.Gly1357 amino acid residue in FLNC. Other variant(s) that disrupt this residue have been determined to be pathogenic (PMID: 36286284). This suggests that this residue is clinically significant, and that variants that disrupt this residue are likely to be disease-causing. In summary, the available evidence is currently insufficient to determine the role of this variant in disease. Therefore, it has been classified as a Variant of Uncertain Significance.

Literature cited by the submitters: PubMed 36286284.

NM_001458.5(FLNC):c.4069G>T (p.Gly1357Trp)

Gene: FLNC (filamin C; plus strand). Cytogenetic location: 7q32.1.
Variant type: single nucleotide variant.
Coding change: c.4069G>T on transcript NM_001458.5 (MANE Select); coding-DNA position 4069, G replaced by T.
Protein change: p.Gly1357Trp; replaces glycine 1357 with tryptophan.
Molecular consequence: missense variant.
Genome position (GRCh38, 1-based): chr7:128,846,405, G>T. VCF-style: chr7-128846405-G-T. GRCh37 (hg19) VCF-style: chr7-128486459-G-T.
Other names: c.4069G>T, p.Gly1357Trp (NM_001127487.2); short protein forms G1357W.
Identifiers: ClinVar variation 2164863 (VCV002164863.4), dbSNP rs1218299104, ClinGen allele CA369199051.
Genomic context (GRCh38, chr7:128,846,405, plus strand): 5'-AAGAGCCCCTTCCGAGTGGGCGTGACCGAGGGCTGTGATCCCACCCGCGTCCGAGCCTTC[G>T]GGCCAGGCCTGGAGGGTGGCTTGGTCAACAAGGCCAACCGATTCACTGTGGAGACCAGGT-3'
Protein context (NP_001449.3, residues 1347-1367): GCDPTRVRAF[Gly1357Trp]PGLEGGLVNK